The following is an entry in ClinVar:

ClinVar aggregate classification (germline): Uncertain significance. Review status: criteria provided, multiple submitters, no conflicts (2 of 4 stars). 2 submissions from 2 submitters: Uncertain significance (2). Last evaluated 2026-01-05.

Conditions:
Inborn genetic diseases. Identifiers: MedGen C0950123, MeSH D030342.
Hypermethioninemia with deficiency of S-adenosylhomocysteine hydrolase. Identifiers: Orphanet 88618, MedGen C3151058, MONDO:0013404, OMIM 613752.

Allele frequency attached by ClinVar (database versions not stated): gnomAD 0.00007; ExAC 0.00009; TOPMed 0.00010; gnomAD exomes 0.00011 and 0.00013; ESP Exome Variant Server 0.00015.
gnomAD v4.1: 204 of 1,613,046 alleles (0.013%); highest among the groups gnomAD compares: Middle Eastern, 0.016%; 1 homozygote.

Submissions (2):

Labcorp Genetics (formerly Invitae), Labcorp
Classification: Uncertain significance for Hypermethioninemia with deficiency of S-adenosylhomocysteine hydrolase. Last evaluated: 2026-01-05. Review status: criteria provided, single submitter. Criteria: Invitae Variant Classification Sherloc (09022015). Collection method: clinical testing. Allele origin: germline.
Comment: This sequence change replaces arginine, which is basic and polar, with tryptophan, which is neutral and slightly polar, at codon 327 of the AHCY protein (p.Arg327Trp). This variant is present in population databases (rs144383493, gnomAD 0.02%). This variant has not been reported in the literature in individuals affected with AHCY-related conditions. ClinVar contains an entry for this variant (Variation ID: 853673). Invitae Evidence Modeling of protein sequence and biophysical properties (such as structural, functional, and spatial information, amino acid conservation, physicochemical variation, residue mobility, and thermodynamic stability) indicates that this missense variant is expected to disrupt AHCY protein function with a positive predictive value of 95%. In summary, the available evidence is currently insufficient to determine the role of this variant in disease. Therefore, it has been classified as a Variant of Uncertain Significance.

Ambry Genetics
Classification: Uncertain significance for Inborn genetic diseases. Last evaluated: 2024-08-02. Review status: criteria provided, single submitter. Criteria: Ambry Variant Classification Scheme 2023. Collection method: clinical testing. Allele origin: germline.

NM_000687.4(AHCY):c.979C>T (p.Arg327Trp)

Gene: AHCY (adenosylhomocysteinase; minus strand). Cytogenetic location: 20q11.22.
Variant type: single nucleotide variant.
Coding change: c.979C>T on transcript NM_000687.4 (MANE Select); coding-DNA position 979, C replaced by T.
Protein change: p.Arg327Trp; replaces arginine 327 with tryptophan.
Molecular consequence: missense variant.
Genome position (GRCh38, 1-based): chr20:34,285,628, G>A on the plus strand (C>T on the coding strand, the complement: AHCY is on the minus strand). VCF-style: chr20-34285628-G-A. GRCh37 (hg19) VCF-style: chr20-32873434-G-A.
Other names: c.979C>T (NM_000687.2); c.895C>T, p.Arg299Trp (NM_001161766.2, NM_001322084.2, NM_001322085.2); c.985C>T, p.Arg329Trp (NM_001322086.2); c.979C>T, p.Arg327Trp (NM_001362750.2); short protein forms R329W, R299W, R327W.
Identifiers: ClinVar variation 853673 (VCV000853673.6), dbSNP rs144383493, ClinGen allele CA9820808.